The following is an entry in ClinVar:

ClinVar aggregate classification (germline): Uncertain significance. Review status: criteria provided, multiple submitters, no conflicts (2 of 4 stars). 2 submissions from 2 submitters: Uncertain significance (2). Last evaluated 2022-12-09.

Conditions:
Congenital sideroblastic anemia-B-cell immunodeficiency-periodic fever-developmental delay syndrome. Also called: Sideroblastic anemia with B-cell immunodeficiency, periodic fevers, and developmental delay. Identifiers: Orphanet 369861, MedGen C4015172, MONDO:0014487, OMIM 616084.

Allele frequency attached by ClinVar (database versions not stated): gnomAD exomes below 0.00001; ExAC 0.00001; 1000 Genomes Project 30x 0.00016; 1000 Genomes Project 0.00020.
gnomAD v4.1: 5 of 1,613,552 alleles (0.00031%); highest among the groups gnomAD compares: South Asian, 0.0033%; no homozygotes.

Submissions (2):

Blueprint Genetics
Classification: Uncertain significance. Last evaluated: 2022-12-09. Review status: criteria provided, single submitter. Criteria: ACMG Guidelines, 2015. Collection method: clinical testing. Allele origin: germline.

Labcorp Genetics (formerly Invitae), Labcorp
Classification: Uncertain significance for Congenital sideroblastic anemia-B-cell immunodeficiency-periodic fever-developmental delay syndrome. Last evaluated: 2021-08-31. Review status: criteria provided, single submitter. Criteria: Invitae Variant Classification Sherloc (09022015). Collection method: clinical testing. Allele origin: germline.
Comment: This sequence change replaces arginine with histidine at codon 361 of the TRNT1 protein (p.Arg361His). The arginine residue is moderately conserved and there is a small physicochemical difference between arginine and histidine. This variant is present in population databases (rs527881651, ExAC 0.006%). This variant has not been reported in the literature in individuals affected with TRNT1-related conditions. Algorithms developed to predict the effect of missense changes on protein structure and function (SIFT, PolyPhen-2, Align-GVGD) all suggest that this variant is likely to be tolerated. In summary, the available evidence is currently insufficient to determine the role of this variant in disease. Therefore, it has been classified as a Variant of Uncertain Significance.

NM_182916.3(TRNT1):c.1082G>A (p.Arg361His)

Gene: TRNT1 (tRNA nucleotidyl transferase 1; plus strand). Cytogenetic location: 3p26.2.
Variant type: single nucleotide variant.
Coding change: c.1082G>A on transcript NM_182916.3 (MANE Select); coding-DNA position 1082, G replaced by A.
Protein change: p.Arg361His; replaces arginine 361 with histidine.
Molecular consequence: missense variant. On other transcripts: non-coding transcript variant (8).
Genome position (GRCh38, 1-based): chr3:3,147,931, G>A. VCF-style: chr3-3147931-G-A. GRCh37 (hg19) VCF-style: chr3-3189615-G-A.
Other names: c.1022G>A, p.Arg341His (NM_001302946.2); c.1082G>A, p.Arg361His (NM_001367321.1, NM_001367322.1, NM_001367323.1); short protein forms R361H, R341H.
Identifiers: ClinVar variation 957543 (VCV000957543.5), dbSNP rs527881651, ClinGen allele CA2228893.